The following is an entry in ClinVar:

ClinVar aggregate classification (germline): Uncertain significance (1 of 4 stars; one submission).

gnomAD v4.1: 1 of 1,613,868 alleles (0.000062%); highest among the groups gnomAD compares: Non-Finnish European, 0.000085%; no homozygotes.

Submission:

Labcorp Genetics (formerly Invitae), Labcorp
Classification: Uncertain significance. Last evaluated: 2024-09-23. Review status: criteria provided, single submitter. Criteria: Invitae Variant Classification Sherloc (09022015). Collection method: clinical testing. Allele origin: germline.
Comment: This sequence change replaces proline, which is neutral and non-polar, with alanine, which is neutral and non-polar, at codon 115 of the LZTR1 protein (p.Pro115Ala). This variant is not present in population databases (gnomAD no frequency). This variant has not been reported in the literature in individuals affected with LZTR1-related conditions. Invitae Evidence Modeling of protein sequence and biophysical properties (such as structural, functional, and spatial information, amino acid conservation, physicochemical variation, residue mobility, and thermodynamic stability) indicates that this missense variant is not expected to disrupt LZTR1 protein function with a negative predictive value of 80%. In summary, the available evidence is currently insufficient to determine the role of this variant in disease. Therefore, it has been classified as a Variant of Uncertain Significance.

NM_006767.4(LZTR1):c.343C>G (p.Pro115Ala)

Gene: LZTR1 (leucine zipper like post translational regulator 1; plus strand). Cytogenetic location: 22q11.21.
Variant type: single nucleotide variant.
Coding change: c.343C>G on transcript NM_006767.4 (MANE Select); coding-DNA position 343, C replaced by G.
Protein change: p.Pro115Ala; replaces proline 115 with alanine.
Molecular consequence: missense variant.
Genome position (GRCh38, 1-based): chr22:20,987,526, C>G. VCF-style: chr22-20987526-C-G. GRCh37 (hg19) VCF-style: chr22-21341815-C-G.
Other names: short protein forms P115A.
Identifiers: ClinVar variation 3684853 (VCV003684853.1).